The following is an entry in ClinVar:

ClinVar aggregate classification (germline): Benign/Likely benign. Review status: criteria provided, multiple submitters, no conflicts (2 of 4 stars). 4 submissions from 4 submitters: Benign (3); Likely benign (1). Last evaluated 2026-02-01.

Conditions:
Ehlers-Danlos syndrome, classic type, 1 (EDSCL1). Also called: Ehlers-Danlos Syndrome, Classic Type, COL5A1-Related; EHLERS-DANLOS SYNDROME, GRAVIS TYPE; EHLERS-DANLOS SYNDROME, SEVERE CLASSIC TYPE; Ehlers-Danlos syndrome, type 1; EDS I. Identifiers: MedGen C0268335, MONDO:0019567, OMIM 130000.
Ehlers-Danlos syndrome, classic type, 2 (EDSCL2). Also called: Ehlers-Danlos Syndrome, Classic Type, COL5A2-Related; Ehlers-Danlos syndrome type 2 (formerly); Ehlers-Danlos syndrome, type 2. Identifiers: Orphanet 287, Orphanet 90318, MedGen C0268336, MONDO:0019568, OMIM 130010.
Familial thoracic aortic aneurysm and aortic dissection (TAAD). Also called: Thoracic aortic aneurysms and dissections. Identifiers: Orphanet 91387, MedGen C4707243, MONDO:0019625.

Allele frequency attached by ClinVar (database versions not stated): gnomAD 0.00001 and 0.00003; 1000 Genomes Project 0.00060; 1000 Genomes Project 30x 0.00047; ExAC 0.00005; TOPMed 0.00001; gnomAD exomes 0.00003.
gnomAD v4.1: 156 of 1,552,626 alleles (0.01%); highest among the groups gnomAD compares: East Asian, 0.38%; no homozygotes.

Submissions (4):

Labcorp Genetics (formerly Invitae), Labcorp
Classification: Benign for Ehlers-Danlos syndrome, classic type, 1. Last evaluated: 2026-02-01. Review status: criteria provided, single submitter. Criteria: Invitae Variant Classification Sherloc (09022015). Collection method: clinical testing. Allele origin: germline.

Illumina Laboratory Services, Illumina
Classification: Benign for Ehlers-Danlos syndrome, classic type, 2. Last evaluated: 2018-01-13. Review status: criteria provided, single submitter. Criteria: ICSL Variant Classification Criteria 13 December 2019. Collection method: clinical testing. Allele origin: germline.
Comment: This variant was observed in the ICSL laboratory as part of a predisposition screen in an ostensibly healthy population. It had not been previously curated by ICSL or reported in the Human Gene Mutation Database (HGMD: prior to June 1st, 2018), and was therefore a candidate for classification through an automated scoring system. Utilizing variant allele frequency, disease prevalence and penetrance estimates, and inheritance mode, an automated score was calculated to assess if this variant is too frequent to cause the disease. Based on the score and internal cut-off values, a variant classified as benign is not then subjected to further curation. The score for this variant resulted in a classification of benign for this disease.

GeneDx
Classification: Likely benign. Last evaluated: 2016-05-18. Review status: criteria provided, single submitter. Criteria: GeneDx Variant Classification (06012015). Collection method: clinical testing. Allele origin: germline. Affected: yes.
Comment: This variant is considered likely benign or benign based on one or more of the following criteria: it is a conservative change, it occurs at a poorly conserved position in the protein, it is predicted to be benign by multiple in silico algorithms, and/or has population frequency not consistent with disease.

Ambry Genetics
Classification: Benign for Familial thoracic aortic aneurysm and aortic dissection. Last evaluated: 2015-12-17. Review status: criteria provided, single submitter. Criteria: Ambry Variant Classification Scheme 2023. Collection method: clinical testing. Allele origin: germline.

NM_000393.5(COL5A2):c.2988C>T (p.Gly996=)

Gene: COL5A2 (collagen type V alpha 2 chain; minus strand). Cytogenetic location: 2q32.2.
Variant type: single nucleotide variant.
Coding change: c.2988C>T on transcript NM_000393.5 (MANE Select); coding-DNA position 2988, C replaced by T.
Protein change: p.Gly996=; no amino-acid change (glycine 996 retained).
Molecular consequence: synonymous variant.
Genome position (GRCh38, 1-based): chr2:189,050,620, G>A on the plus strand (C>T on the coding strand, the complement: COL5A2 is on the minus strand). VCF-style: chr2-189050620-G-A. GRCh37 (hg19) VCF-style: chr2-189915346-G-A.
Identifiers: ClinVar variation 264616 (VCV000264616.21), dbSNP rs201299226, ClinGen allele CA2022141.
Genomic context (GRCh38, chr2:189,050,620, plus strand): 5'-GCTACTCACCGCTGGGCCTGGTAGGCCGGGCATGCCTCTCTCTCCACGTTGCCCAGGCAT[G>A]CCAACAATTCCTCTCTGCCCGGTCGTTCCAGCTGGACCAGGGGGGCCATCTGGACCCTAA-3'
Protein context (NP_000384.2, residues 986-1006): AGTTGQRGIV[Gly996=]MPGQRGERGM